The following is an entry in ClinVar:

ClinVar aggregate classification (germline): Uncertain significance (1 of 4 stars; one submission).

Conditions:
Fanconi anemia (FA). Also called: Fanconi's anemia. Identifiers: Orphanet 84, MedGen C0015625, MeSH D005199, MONDO:0019391.

Submission:

Labcorp Genetics (formerly Invitae), Labcorp
Classification: Uncertain significance for Fanconi anemia. Last evaluated: 2024-10-27. Review status: criteria provided, single submitter. Criteria: Invitae Variant Classification Sherloc (09022015). Collection method: clinical testing. Allele origin: germline.
Comment: This sequence change replaces glutamine, which is neutral and polar, with leucine, which is neutral and non-polar, at codon 652 of the FANCA protein (p.Gln652Leu). This variant is not present in population databases (gnomAD no frequency). This variant has not been reported in the literature in individuals affected with FANCA-related conditions. Invitae Evidence Modeling of protein sequence and biophysical properties (such as structural, functional, and spatial information, amino acid conservation, physicochemical variation, residue mobility, and thermodynamic stability) indicates that this missense variant is not expected to disrupt FANCA protein function with a negative predictive value of 95%. In summary, the available evidence is currently insufficient to determine the role of this variant in disease. Therefore, it has been classified as a Variant of Uncertain Significance.

NM_000135.4(FANCA):c.1955A>T (p.Gln652Leu)

Gene: FANCA (FA complementation group A; minus strand). Cytogenetic location: 16q24.3.
Variant type: single nucleotide variant.
Coding change: c.1955A>T on transcript NM_000135.4 (MANE Select); coding-DNA position 1955, A replaced by T.
Protein change: p.Gln652Leu; replaces glutamine 652 with leucine.
Molecular consequence: missense variant.
Genome position (GRCh38, 1-based): chr16:89,773,330, T>A on the plus strand (A>T on the coding strand, the complement: FANCA is on the minus strand). VCF-style: chr16-89773330-T-A. GRCh37 (hg19) VCF-style: chr16-89839738-T-A.
Other names: c.1955A>T, p.Gln652Leu (NM_001286167.3); short protein forms Q652L.
Identifiers: ClinVar variation 3713166 (VCV003713166.2).